The following is an entry in ClinVar:

NM_000094.4(COL7A1):c.4687G>C (p.Gly1563Arg)

Gene: COL7A1 (collagen type VII alpha 1 chain; minus strand). Cytogenetic location: 3p21.31.
Variant type: single nucleotide variant.
Coding change: c.4687G>C on transcript NM_000094.4 (MANE Select); coding-DNA position 4687, G replaced by C.
Protein change: p.Gly1563Arg; replaces glycine 1563 with arginine.
Molecular consequence: missense variant.
Genome position (GRCh38, 1-based): chr3:48,581,741, C>G on the plus strand (G>C on the coding strand, the complement: COL7A1 is on the minus strand). VCF-style: chr3-48581741-C-G. GRCh37 (hg19) VCF-style: chr3-48619174-C-G.
Other names: short protein forms G1563R.
Identifiers: ClinVar variation 3912000 (VCV003912000.3).

ClinVar aggregate classification (germline): Uncertain significance (1 of 4 stars; one submission).

Submission:

Women's Health and Genetics/Laboratory Corporation of America, LabCorp
Classification: Uncertain significance. Last evaluated: 2026-01-15. Review status: criteria provided, single submitter. Criteria: LabCorp Variant Classification Summary - May 2015. Collection method: clinical testing. Allele origin: germline.
Comment: Variant summary: COL7A1 c.4687G>C (p.Gly1563Arg) results in a non-conservative amino acid change in the encoded protein sequence. Algorithms developed to predict the effect of missense changes on protein structure and function all suggest that this variant is likely to be disruptive. The variant was absent in 251414 control chromosomes. The available data on variant occurrences in the general population are insufficient to allow any conclusion about variant significance. To our knowledge, no occurrence of c.4687G>C in individuals affected with COL7A1-related conditions and no experimental evidence demonstrating its impact on protein function have been reported. ClinVar contains an entry for this variant (Variation ID: 3912000). Based on the evidence outlined above, the variant was classified as uncertain significance.